The following is an entry in ClinVar:

ClinVar aggregate classification (germline): Uncertain significance (1 of 4 stars; one submission).

Conditions:
Lymphoproliferative syndrome 1 (LPFS1). Identifiers: Orphanet 238505, Orphanet 538963, MedGen C3552634, MONDO:0013081, OMIM 613011.

gnomAD v4.1: 3 of 1,613,778 alleles (0.00019%); highest among the groups gnomAD compares: African/African-American, 0.0027%; no homozygotes.

Submission:

Labcorp Genetics (formerly Invitae), Labcorp
Classification: Uncertain significance for Lymphoproliferative syndrome 1. Last evaluated: 2021-05-17. Review status: criteria provided, single submitter. Criteria: Invitae Variant Classification Sherloc (09022015). Collection method: clinical testing. Allele origin: germline.
Comment: This sequence change replaces arginine with proline at codon 448 of the ITK protein (p.Arg448Pro). The arginine residue is highly conserved and there is a moderate physicochemical difference between arginine and proline. This variant is not present in population databases (ExAC no frequency). In summary, the available evidence is currently insufficient to determine the role of this variant in disease. Therefore, it has been classified as a Variant of Uncertain Significance. Advanced modeling of protein sequence and biophysical properties (such as structural, functional, and spatial information, amino acid conservation, physicochemical variation, residue mobility, and thermodynamic stability) performed at Invitae indicates that this missense variant is not expected to disrupt ITK protein function. This variant has not been reported in the literature in individuals with ITK-related conditions.

NM_005546.4(ITK):c.1343G>C (p.Arg448Pro)

Gene: ITK (IL2 inducible T cell kinase; plus strand). Cytogenetic location: 5q33.3.
Variant type: single nucleotide variant.
Coding change: c.1343G>C on transcript NM_005546.4 (MANE Select); coding-DNA position 1343, G replaced by C.
Protein change: p.Arg448Pro; replaces arginine 448 with proline.
Molecular consequence: missense variant.
Genome position (GRCh38, 1-based): chr5:157,244,372, G>C. VCF-style: chr5-157244372-G-C. GRCh37 (hg19) VCF-style: chr5-156671382-G-C.
Other names: short protein forms R448P.
Identifiers: ClinVar variation 1371168 (VCV001371168.6), dbSNP rs144735141, ClinGen allele CA361961576.